The following is an entry in ClinVar:

ClinVar aggregate classification (germline): Pathogenic (1 of 4 stars; one submission).

Conditions:
POLG-related disorder. Also called: POLG-Related Spectrum Disorders; POLG-related condition; POLG-Related Disorders. Identifiers: MedGen C4763519.

Submission:

Myriad Genetics, Inc.
Classification: Pathogenic for POLG-related disorder. Last evaluated: 2024-02-28. Review status: criteria provided, single submitter. Criteria: Myriad Autosomal Dominant, Autosomal Recessive and X-Linked Classification Criteria (2023). Collection method: clinical testing. Allele origin: unknown.
Comment: NM_002693.2(POLG):c.493_494delAA(K165Afs*78) is expected to be pathogenic in the context of POLG-related disorders. This variant is predicted to lead to an abnormal or absent protein product due to the creation of a premature termination codon in POLG, a gene where loss-of-function variants are known to be pathogenic. Please note: this variant was assessed in the context of healthy population screening.

NM_002693.3(POLG):c.493_494del (p.Lys165fs)

Genes: POLGARF (POLG alternative reading frame; minus strand), POLG (DNA polymerase gamma, catalytic subunit; minus strand). Cytogenetic location: 15q26.1.
Variant type: Deletion.
Coding change: c.493_494del on transcript NM_002693.3 (MANE Select); coding-DNA positions 493 to 494, 2 bases deleted (AA; older notation c.493_494delAA).
Protein change: p.Lys165fs; shifts the reading frame from lysine 165.
Molecular consequence: frameshift variant.
Genome position (GRCh38, 1-based): chr15:89,333,261-89,333,262, TT deleted on the plus strand (AA on the coding strand, the reverse complement: POLG is on the minus strand). VCF-style (leftmost placement, unchanged base first): chr15-89333260-CTT-C. GRCh37 (hg19) VCF-style: chr15-89876491-CTT-C.
Other names: c.548_549del, p.Glu183fs (NM_001430120.1); c.493_494del, p.Lys165fs (NM_001126131.2); short protein forms E183fs, K165fs.
Identifiers: ClinVar variation 5012783 (VCV005012783.1).